The following is an entry in ClinVar:

ClinVar aggregate classification (germline): Uncertain significance (1 of 4 stars; one submission).

Conditions:
Cardiomyopathy (CMYO). Also called: Cardiomyopathies. Identifiers: Orphanet 167848, MedGen C0878544, MONDO:0004994, HP:0001638. Inheritance: Various modes of inheritance.

Submission:

Color Diagnostics, LLC DBA Color Health
Classification: Uncertain significance for Cardiomyopathy. Last evaluated: 2024-03-06. Review status: criteria provided, single submitter. Criteria: ACMG Guidelines, 2015. Collection method: clinical testing. Allele origin: germline.
Comment: This missense variant replaces threonine with lysine at codon 847 of the RYR2 protein. Computational prediction suggests that this variant may not impact protein structure and function (internally defined REVEL score threshold <= 0.5, PMID: 27666373). To our knowledge, functional studies have not been reported for this variant. This variant has not been reported in individuals affected with cardiovascular disorders in the literature. This variant has not been identified in the general population by the Genome Aggregation Database (gnomAD). The available evidence is insufficient to determine the role of this variant in disease conclusively. Therefore, this variant is classified as a Variant of Uncertain Significance.

NM_001035.3(RYR2):c.2540C>A (p.Thr847Lys)

Gene: RYR2 (ryanodine receptor 2; plus strand). Cytogenetic location: 1q43.
Variant type: single nucleotide variant.
Coding change: c.2540C>A on transcript NM_001035.3 (MANE Select); coding-DNA position 2540, C replaced by A.
Protein change: p.Thr847Lys; replaces threonine 847 with lysine.
Molecular consequence: missense variant.
Genome position (GRCh38, 1-based): chr1:237,503,432, C>A. VCF-style: chr1-237503432-C-A. GRCh37 (hg19) VCF-style: chr1-237666732-C-A.
Other names: short protein forms T847K.
Identifiers: ClinVar variation 2774268 (VCV002774268.2), dbSNP rs2545891427, ClinGen allele CA345379397.
Genomic context (GRCh38, chr1:237,503,432, plus strand): 5'-TGCCAAAAGAAAAGTTGAAAGTGGAACACAGCCGAGAGTACAAGCAAGAAAGAACTTACA[C>A]ACGCGACCTGCTGGGCCCCACAGTTTCCCTGACGCAAGCTGCCTTCACACCCATCCCTGT-3'
Protein context (NP_001026.2, residues 837-857): SREYKQERTY[Thr847Lys]RDLLGPTVSL